The following is an entry in ClinVar:

ClinVar aggregate classification (germline): Uncertain significance. Review status: criteria provided, multiple submitters, no conflicts (2 of 4 stars). 2 submissions from 2 submitters: Uncertain significance (2). Last evaluated 2025-11-10.

Conditions:
Inborn genetic diseases. Identifiers: MedGen C0950123, MeSH D030342.
Norman-Roberts syndrome (LIS2). Also called: Lissencephaly 2 (Norman-Roberts type). Identifiers: Orphanet 89844, MedGen C0796089, MONDO:0009760, OMIM 257320.
Familial temporal lobe epilepsy 7. Identifiers: Orphanet 101046, MedGen C4225327, MONDO:0014639, OMIM 616436.

gnomAD v4.1: 1 of 1,611,944 alleles (0.000062%); highest among the groups gnomAD compares: Non-Finnish European, 0.000085%; no homozygotes.

Submissions (2):

Labcorp Genetics (formerly Invitae), Labcorp
Classification: Uncertain significance for Familial temporal lobe epilepsy 7; Norman-Roberts syndrome. Last evaluated: 2025-11-10. Review status: criteria provided, single submitter. Criteria: Invitae Variant Classification Sherloc (09022015). Collection method: clinical testing. Allele origin: germline.
Comment: This sequence change replaces histidine, which is basic and polar, with glutamine, which is neutral and polar, at codon 620 of the RELN protein (p.His620Gln). This variant is not present in population databases (gnomAD no frequency). This variant has not been reported in the literature in individuals affected with RELN-related conditions. ClinVar contains an entry for this variant (Variation ID: 2939007). Invitae Evidence Modeling of protein sequence and biophysical properties (such as structural, functional, and spatial information, amino acid conservation, physicochemical variation, residue mobility, and thermodynamic stability) indicates that this missense variant is not expected to disrupt RELN protein function with a negative predictive value of 80%. In summary, the available evidence is currently insufficient to determine the role of this variant in disease. Therefore, it has been classified as a Variant of Uncertain Significance.

Ambry Genetics
Classification: Uncertain significance for Inborn genetic diseases. Last evaluated: 2024-09-24. Review status: criteria provided, single submitter. Criteria: Ambry Variant Classification Scheme 2023. Collection method: clinical testing. Allele origin: germline.

NM_005045.4(RELN):c.1860C>A (p.His620Gln)

Gene: RELN (reelin; minus strand). Cytogenetic location: 7q22.1.
Variant type: single nucleotide variant.
Coding change: c.1860C>A on transcript NM_005045.4 (MANE Select); coding-DNA position 1860, C replaced by A.
Protein change: p.His620Gln; replaces histidine 620 with glutamine.
Molecular consequence: missense variant.
Genome position (GRCh38, 1-based): chr7:103,651,693, G>T on the plus strand (C>A on the coding strand, the complement: RELN is on the minus strand). VCF-style: chr7-103651693-G-T. GRCh37 (hg19) VCF-style: chr7-103292140-G-T.
Other names: c.1860C>A (NM_005045.3); c.1860C>A, p.His620Gln (NM_173054.3); short protein forms H620Q.
Identifiers: ClinVar variation 2939007 (VCV002939007.4), dbSNP rs2484837825, ClinGen allele CA368764273.
Genomic context (GRCh38, chr7:103,651,693, plus strand): 5'-TTCAATATCTCAGAGAGAATGTACTCACCCACTGTAGTTTTCAGAGGAGTAGACAGTGCT[G>T]TGGGGGAGGTGGGGTCCAGCACAGATCTCAGGTAAGCATTCAGTGTGAAGGAGGGACCAG-3'
Protein context (NP_005036.2, residues 610-630): PEICAGPHLP[His620Gln]STVYSSENYS